The following is an entry in ClinVar:

ClinVar aggregate classification (germline): Likely benign (1 of 4 stars; one submission).

Conditions:
UTP4-related disorder. Also called: UTP4-related condition.

Submission:

PreventionGenetics, part of Exact Sciences
Classification: Likely benign for UTP4-related condition. Last evaluated: 2025-04-29. Review status: criteria provided, single submitter. Criteria: ACMG Guidelines, 2015. Collection method: clinical testing. Allele origin: germline.
Comment: This variant is classified as likely benign based on ACMG/AMP sequence variant interpretation guidelines (Richards et al. 2015 PMID: 25741868, with internal and published modifications).

NM_032830.3(UTP4):c.1445-7C>T

Gene: UTP4 (UTP4 small subunit processome component). Cytogenetic location: 16q22.1.
Variant type: single nucleotide variant.
Coding change: c.1445-7C>T on transcript NM_032830.3 (MANE Select); 7 bases into the intron before coding-DNA position 1445, C replaced by T.
Molecular consequence: intron variant.
Genome position (GRCh38, 1-based): chr16:69,160,349, C>T. VCF-style: chr16-69160349-C-T. GRCh37 (hg19) VCF-style: chr16-69194252-C-T.
Other names: c.1196-7C>T (NM_001318391.2).
Identifiers: ClinVar variation 4977546 (VCV004977546.1).